The following is an entry in ClinVar:

NM_004130.4(GYG1):c.1036G>T (p.Asp346Tyr)

Gene: GYG1 (glycogenin 1; plus strand). Cytogenetic location: 3q24.
Variant type: single nucleotide variant.
Coding change: c.1036G>T on transcript NM_004130.4 (MANE Select); coding-DNA position 1036, G replaced by T.
Protein change: p.Asp346Tyr; replaces aspartic acid 346 with tyrosine.
Molecular consequence: missense variant.
Genome position (GRCh38, 1-based): chr3:149,026,916, G>T. VCF-style: chr3-149026916-G-T. GRCh37 (hg19) VCF-style: chr3-148744703-G-T.
Other names: c.985G>T, p.Asp329Tyr (NM_001184720.2); c.765G>T, p.Leu255Phe (NM_001184721.2); c.1036G>T (NM_004130.3); short protein forms D346Y, L255F, D329Y.
Identifiers: ClinVar variation 2197883 (VCV002197883.3), dbSNP rs141679018, ClinGen allele CA2658738.

ClinVar aggregate classification (germline): Uncertain significance. Review status: criteria provided, multiple submitters, no conflicts (2 of 4 stars). 2 submissions from 2 submitters: Uncertain significance (2). Last evaluated 2023-08-04.

Conditions:
Polyglucosan body myopathy type 2. Identifiers: Orphanet 456369, MedGen C4015452, MONDO:0014526, OMIM 616199.
Glycogen storage disease XV (GSD15). Also called: GLYCOGENIN DEFICIENCY; GSD XV. Identifiers: Orphanet 263297, MedGen C3150754, MONDO:0013291, OMIM 613507.
Inborn genetic diseases. Identifiers: MedGen C0950123, MeSH D030342.

Allele frequency attached by ClinVar (database versions not stated): gnomAD 0.00007; ESP Exome Variant Server 0.00008; TOPMed 0.00009; gnomAD exomes 0.00025; ExAC 0.00047.
gnomAD v4.1: 384 of 1,613,620 alleles (0.024%); highest among the groups gnomAD compares: Non-Finnish European, 0.029%; no homozygotes.

Submissions (2):

Labcorp Genetics (formerly Invitae), Labcorp
Classification: Uncertain significance for Polyglucosan body myopathy type 2; Glycogen storage disease XV. Last evaluated: 2023-08-04. Review status: criteria provided, single submitter. Criteria: Invitae Variant Classification Sherloc (09022015). Collection method: clinical testing. Allele origin: germline.
Comment: In summary, the available evidence is currently insufficient to determine the role of this variant in disease. Therefore, it has been classified as a Variant of Uncertain Significance. An algorithm developed to predict the effect of missense changes on protein structure and function (PolyPhen-2) suggests that this variant is likely to be disruptive. ClinVar contains an entry for this variant (Variation ID: 2197883). This variant has not been reported in the literature in individuals affected with GYG1-related conditions. This variant is present in population databases (rs141679018, gnomAD 0.05%). This sequence change replaces aspartic acid, which is acidic and polar, with tyrosine, which is neutral and polar, at codon 346 of the GYG1 protein (p.Asp346Tyr).

Ambry Genetics
Classification: Uncertain significance for Inborn genetic diseases. Last evaluated: 2021-08-13. Review status: criteria provided, single submitter. Criteria: Ambry Variant Classification Scheme 2023. Collection method: clinical testing. Allele origin: germline.